The following is an entry in ClinVar:

NM_000168.6(GLI3):c.826+255T>C

Gene: GLI3 (GLI family zinc finger 3; minus strand). Cytogenetic location: 7p14.1.
Variant type: single nucleotide variant.
Coding change: c.826+255T>C on transcript NM_000168.6 (MANE Select); 255 bases into the intron after coding-DNA position 826, T replaced by C.
Molecular consequence: intron variant.
Genome position (GRCh38, 1-based): chr7:42,045,129, A>G on the plus strand (T>C on the coding strand, the complement: GLI3 is on the minus strand). VCF-style: chr7-42045129-A-G. GRCh37 (hg19) VCF-style: chr7-42084728-A-G.
Identifiers: ClinVar variation 683173 (VCV000683173.1), dbSNP rs699492, ClinGen allele CA12631472.

ClinVar aggregate classification (germline): Benign (1 of 4 stars; one submission).

Allele frequency attached by ClinVar (database versions not stated): gnomAD 0.55942 and 0.56647; 1000 Genomes Project 0.56390; TOPMed 0.56596; 1000 Genomes Project 30x 0.57214.
gnomAD v4.1: 84,802 of 152,014 alleles (56%); highest among the groups gnomAD compares: African/African-American, 82%; 25,805 homozygotes.

Submission:

GeneDx
Classification: Benign. Last evaluated: 2018-06-19. Review status: criteria provided, single submitter. Criteria: GeneDx Variant Classification (06012015). Collection method: clinical testing. Allele origin: germline. Affected: yes.
Comment: This variant is considered likely benign or benign based on one or more of the following criteria: it is a conservative change, it occurs at a poorly conserved position in the protein, it is predicted to be benign by multiple in silico algorithms, and/or has population frequency not consistent with disease.